The following is an entry in ClinVar:

ClinVar aggregate classification (germline): Uncertain significance (1 of 4 stars; one submission).

Conditions:
Kabuki syndrome 2 (KABUK2). Also called: KDM6A-Related Kabuki Syndrome. Identifiers: Orphanet 2322, MedGen C3275495, MONDO:0010465, OMIM 300867.

Submission:

Labcorp Genetics (formerly Invitae), Labcorp
Classification: Uncertain significance for Kabuki syndrome 2. Last evaluated: 2024-08-10. Review status: criteria provided, single submitter. Criteria: Invitae Variant Classification Sherloc (09022015). Collection method: clinical testing. Allele origin: germline.
Comment: This sequence change replaces alanine, which is neutral and non-polar, with serine, which is neutral and polar, at codon 340 of the KDM6A protein (p.Ala340Ser). This variant is not present in population databases (gnomAD no frequency). This variant has not been reported in the literature in individuals affected with KDM6A-related conditions. Advanced modeling of protein sequence and biophysical properties (such as structural, functional, and spatial information, amino acid conservation, physicochemical variation, residue mobility, and thermodynamic stability) performed at Invitae indicates that this missense variant is expected to disrupt KDM6A protein function with a positive predictive value of 80%. In summary, the available evidence is currently insufficient to determine the role of this variant in disease. Therefore, it has been classified as a Variant of Uncertain Significance.

NM_001291415.2(KDM6A):c.1018G>T (p.Ala340Ser)

Gene: KDM6A (lysine demethylase 6A; plus strand). Cytogenetic location: Xp11.3.
Variant type: single nucleotide variant.
Coding change: c.1018G>T on transcript NM_001291415.2 (MANE Select); coding-DNA position 1018, G replaced by T.
Protein change: p.Ala340Ser; replaces alanine 340 with serine.
Molecular consequence: missense variant. On other transcripts: non-coding transcript variant (1).
Genome position (GRCh38, 1-based): chrX:45,059,290, G>T. VCF-style: chrX-45059290-G-T. GRCh37 (hg19) VCF-style: chrX-44918535-G-T.
Other names: c.1018G>T, p.Ala340Ser (NM_001291416.2, NM_001291417.2, NM_001291418.2 and 9 more transcripts); c.265G>T, p.Ala89Ser (NM_001291421.2); short protein forms A340S, A89S.
Identifiers: ClinVar variation 3631687 (VCV003631687.2).